The following is an entry in ClinVar:

ClinVar aggregate classification (germline): Pathogenic (1 of 4 stars; one submission).

Conditions:
Multiple gastrointestinal atresias. Also called: Multiple intestinal atresia; FAMILIAL INTESTINAL POLYATRESIA SYNDROME. Identifiers: Orphanet 2300, MedGen C0220744, MONDO:0009465.

Submission:

Labcorp Genetics (formerly Invitae), Labcorp
Classification: Pathogenic for Multiple gastrointestinal atresias. Last evaluated: 2026-01-19. Review status: criteria provided, single submitter. Criteria: Invitae Variant Classification Sherloc (09022015). Collection method: clinical testing. Allele origin: germline.
Comment: This sequence change creates a premature translational stop signal (p.Arg202Glyfs*18) in the TTC7A gene. It is expected to result in an absent or disrupted protein product. Loss-of-function variants in TTC7A are known to be pathogenic (PMID: 23830146, 24292712). This variant is not present in population databases (gnomAD no frequency). This variant has not been reported in the literature in individuals affected with TTC7A-related conditions. For these reasons, this variant has been classified as Pathogenic.

Literature cited by the submitters: PubMed 23830146; PubMed 24292712.

NM_020458.4(TTC7A):c.604_605del (p.Arg202fs)

Genes: TTC7A (tetratricopeptide repeat domain 7A; plus strand), LOC126806211 (CDK7 strongly-dependent group 2 enhancer GRCh37_chr2:47201305-47202504; plus strand). Cytogenetic location: 2p21.
Variant type: Microsatellite.
Coding change: c.604_605del on transcript NM_020458.4 (MANE Select); coding-DNA positions 604 to 605, 2 bases deleted (AG; older notation c.604_605delAG).
Protein change: p.Arg202fs; shifts the reading frame from arginine 202.
Molecular consequence: frameshift variant. On other transcripts: 5 prime UTR variant (1).
Genome position (GRCh38, 1-based): chr2:46,975,059-46,975,060, AG deleted; deleting any 2 consecutive bases within chr2:46,975,056-46,975,060 gives the same sequence; the c. name uses the placement nearest the transcript's 3' end. VCF-style (leftmost placement, unchanged base first): chr2-46975055-TGA-T. GRCh37 (hg19) VCF-style: chr2-47202194-TGA-T.
Other names: c.604_605del, p.Arg202fs (NM_001288951.2); c.502_503del, p.Arg168fs (NM_001288953.2); c.-303AG[1] (NM_001288955.2); short protein forms R168fs, R202fs.
Identifiers: ClinVar variation 4735747 (VCV004735747.1).